The following is an entry in ClinVar:

NM_001252024.2(TRPM1):c.3132C>A (p.Tyr1044Ter)

Genes: TRPM1 (transient receptor potential cation channel subfamily M member 1; minus strand), TRPM1-AS1 (TRPM1 antisense RNA 1; plus strand). Cytogenetic location: 15q13.3.
Variant type: single nucleotide variant.
Coding change: c.3132C>A on transcript NM_001252024.2 (MANE Select); coding-DNA position 3132, C replaced by A.
Protein change: p.Tyr1044Ter; replaces tyrosine 1044 with a stop codon.
Molecular consequence: nonsense.
Genome position (GRCh38, 1-based): chr15:31,029,387, G>T on the plus strand (C>A on the coding strand, the complement: TRPM1 is on the minus strand). VCF-style: chr15-31029387-G-T. GRCh37 (hg19) VCF-style: chr15-31321590-G-T.
Other names: c.3183C>A, p.Tyr1061Ter (NM_001252020.2); c.3066C>A, p.Tyr1022Ter (NM_002420.6); short protein forms Y1022*, Y1044*, Y1061*.
Identifiers: ClinVar variation 2013040 (VCV002013040.4), dbSNP rs748055124, ClinGen allele CA391544358.
Genomic context (GRCh38, chr15:31,029,387, plus strand): 5'-AACACATTCCATAGACTAGAATAATCAATTCCATGTAAACTTACGATTAATTTCCATGGC[G>T]TAGACTACATGACGATTGGAAAGCAGGATTTTTGTTTTGTTTTGTTTTGACAGGAGGGGA-3'

ClinVar aggregate classification (germline): Pathogenic (1 of 4 stars; one submission).

Submission:

Labcorp Genetics (formerly Invitae), Labcorp
Classification: Pathogenic. Last evaluated: 2022-07-01. Review status: criteria provided, single submitter. Criteria: Invitae Variant Classification Sherloc (09022015). Collection method: clinical testing. Allele origin: germline.
Comment: This variant is not present in population databases (gnomAD no frequency). This sequence change creates a premature translational stop signal (p.Tyr1022*) in the TRPM1 gene. It is expected to result in an absent or disrupted protein product. Loss-of-function variants in TRPM1 are known to be pathogenic (PMID: 19896113, 19966281, 20300565). This variant has not been reported in the literature in individuals affected with TRPM1-related conditions. For these reasons, this variant has been classified as Pathogenic. Algorithms developed to predict the effect of sequence changes on RNA splicing suggest that this variant may disrupt the consensus splice site.

Literature cited by the submitters: PubMed 19896113; PubMed 19966281; PubMed 20300565.